The following is an entry in ClinVar:

ClinVar aggregate classification (germline): Conflicting classifications of pathogenicity. Review status: criteria provided, conflicting classifications (1 of 4 stars). 5 submissions from 5 submitters: Uncertain significance (4); Likely benign (1). Last evaluated 2026-01-11.

Conditions:
Cardiovascular phenotype. Identifiers: MedGen CN230736.
Dilated cardiomyopathy 1AA (CMD1AA). Also called: CARDIOMYOPATHY, DILATED, 1AA, WITH OR WITHOUT LEFT VENTRICULAR NONCOMPACTION; CARDIOMYOPATHY, FAMILIAL HYPERTROPHIC, 23, WITH OR WITHOUT LEFT VENTRICULAR NONCOMPACTION; Cardiomyopathy, dilated, 1AA, with or without LVNC. Identifiers: Orphanet 154, MedGen C2677338, MONDO:0012808, OMIM 612158.
Primary familial hypertrophic cardiomyopathy (HCM). Identifiers: Orphanet 99739, MedGen C0949658, MeSH D024741, MONDO:0024573. Inheritance: Various modes of inheritance.

Allele frequency attached by ClinVar (database versions not stated): TOPMed 0.00001; gnomAD exomes 0.00002 and 0.00003; gnomAD 0.00003; ExAC 0.00004.

Submissions (5):

Women's Health and Genetics/Laboratory Corporation of America, LabCorp
Classification: Uncertain significance. Last evaluated: 2026-01-11. Review status: criteria provided, single submitter. Criteria: LabCorp Variant Classification Summary - May 2015. Collection method: clinical testing. Allele origin: germline.
Comment: Variant summary: ACTN2 c.2507G>A (p.Arg836Gln) results in a conservative amino acid change in the encoded protein sequence. Algorithms developed to predict the effect of missense changes on protein structure and function are either unavailable or do not agree on the potential impact of this missense change. The variant allele was found at a frequency of 2.8e-05 in 251178 control chromosomes. The available data on variant occurrences in the general population are insufficient to allow any conclusion about variant significance. To our knowledge, no occurrence of c.2507G>A in individuals affected with ACTN2-related conditions and no experimental evidence demonstrating its impact on protein function have been reported. ClinVar contains an entry for this variant (Variation ID: 986096). Based on the evidence outlined above, the variant was classified as uncertain significance.

Labcorp Genetics (formerly Invitae), Labcorp
Classification: Likely benign for Primary familial hypertrophic cardiomyopathy; Dilated cardiomyopathy 1AA. Last evaluated: 2025-03-17. Review status: criteria provided, single submitter. Criteria: Invitae Variant Classification Sherloc (09022015). Collection method: clinical testing. Allele origin: germline.

Mayo Clinic Laboratories, Mayo Clinic
Classification: Uncertain significance. Last evaluated: 2024-07-31. Review status: criteria provided, single submitter. Criteria: ACMG Guidelines, 2015. Collection method: clinical testing. Allele origin: germline. Observed: 1 variant allele.
Comment: BP4

Ambry Genetics
Classification: Uncertain significance for Cardiovascular phenotype. Last evaluated: 2024-06-04. Review status: criteria provided, single submitter. Criteria: Ambry Variant Classification Scheme 2023. Collection method: clinical testing. Allele origin: germline.
Comment: The p.R836Q variant (also known as c.2507G>A), located in coding exon 20 of the ACTN2 gene, results from a G to A substitution at nucleotide position 2507. The arginine at codon 836 is replaced by glutamine, an amino acid with highly similar properties. This amino acid position is conserved. In addition, this alteration is predicted to be tolerated by in silico analysis. Based on the available evidence, the clinical significance of this variant remains unclear.

GeneDx
Classification: Uncertain significance. Last evaluated: 2019-05-07. Review status: criteria provided, single submitter. Criteria: GeneDx Variant Classification Process June 2021. Collection method: clinical testing. Allele origin: germline. Affected: yes.
Comment: Has not been previously published as pathogenic or benign to our knowledge; In silico analysis, which includes protein predictors and evolutionary conservation, supports that this variant does not alter protein structure/function

NM_001103.4(ACTN2):c.2507G>A (p.Arg836Gln)

Gene: ACTN2 (actinin alpha 2; plus strand). Cytogenetic location: 1q43.
Variant type: single nucleotide variant.
Coding change: c.2507G>A on transcript NM_001103.4 (MANE Select); coding-DNA position 2507, G replaced by A.
Protein change: p.Arg836Gln; replaces arginine 836 with glutamine.
Molecular consequence: missense variant.
Genome position (GRCh38, 1-based): chr1:236,761,154, G>A. VCF-style: chr1-236761154-G-A. GRCh37 (hg19) VCF-style: chr1-236924454-G-A.
Other names: p.Arg836Gln; c.2507G>A, p.Arg836Gln (NM_001278343.2); c.1883G>A, p.Arg628Gln (NM_001278344.2); c.2507G>A (NM_001103.3); short protein forms R628Q, R836Q.
Identifiers: ClinVar variation 986096 (VCV000986096.12), dbSNP rs764315978, ClinGen allele CA1473461.